The following is an entry in ClinVar:

ClinVar aggregate classification (germline): Uncertain significance. Review status: criteria provided, multiple submitters, no conflicts (2 of 4 stars). 2 submissions from 2 submitters: Uncertain significance (2). Last evaluated 2025-10-22.

Allele frequency attached by ClinVar (database versions not stated): TOPMed 0.00010.
gnomAD v4.1: 110 of 1,612,728 alleles (0.0068%); highest among the groups gnomAD compares: East Asian, 0.19%; no homozygotes.

Submissions (2):

Ambry Genetics
Classification: Uncertain significance. Last evaluated: 2025-10-22. Review status: criteria provided, single submitter. Criteria: Ambry Variant Classification Scheme 2023. Collection method: clinical testing. Allele origin: germline.

Labcorp Genetics (formerly Invitae), Labcorp
Classification: Uncertain significance. Last evaluated: 2024-12-26. Review status: criteria provided, single submitter. Criteria: Invitae Variant Classification Sherloc (09022015). Collection method: clinical testing. Allele origin: germline.
Comment: This sequence change replaces arginine, which is basic and polar, with proline, which is neutral and non-polar, at codon 630 of the SAMD11 protein (p.Arg630Pro). This variant is present in population databases (rs374426973, gnomAD 0.1%). This variant has not been reported in the literature in individuals affected with SAMD11-related conditions. ClinVar contains an entry for this variant (Variation ID: 846628). An algorithm developed to predict the effect of missense changes on protein structure and function outputs the following: PolyPhen-2: "Benign". The proline amino acid residue is found in multiple mammalian species, which suggests that this missense change does not adversely affect protein function. In summary, the available evidence is currently insufficient to determine the role of this variant in disease. Therefore, it has been classified as a Variant of Uncertain Significance.

NM_001385641.1(SAMD11):c.2378G>C (p.Arg793Pro)

Gene: SAMD11 (sterile alpha motif domain containing 11; plus strand). Cytogenetic location: 1p36.33.
Variant type: single nucleotide variant.
Coding change: c.2378G>C on transcript NM_001385641.1 (MANE Select); coding-DNA position 2378, G replaced by C.
Protein change: p.Arg793Pro; replaces arginine 793 with proline.
Molecular consequence: missense variant.
Genome position (GRCh38, 1-based): chr1:943,996, G>C. VCF-style: chr1-943996-G-C. GRCh37 (hg19) VCF-style: chr1-879376-G-C.
Other names: c.2381G>C, p.Arg794Pro (NM_001385640.1); c.1889G>C, p.Arg630Pro (NM_152486.4); short protein forms R630P, R793P, R794P.
Identifiers: ClinVar variation 846628 (VCV000846628.11), dbSNP rs374426973, ClinGen allele CA503373.